The following is an entry in ClinVar:

NM_032340.4(UQCC2):c.182C>T (p.Ala61Val)

Gene: UQCC2 (ubiquinol-cytochrome c reductase complex assembly factor 2; minus strand). Cytogenetic location: 6p21.31.
Variant type: single nucleotide variant.
Coding change: c.182C>T on transcript NM_032340.4 (MANE Select); coding-DNA position 182, C replaced by T.
Protein change: p.Ala61Val; replaces alanine 61 with valine.
Molecular consequence: missense variant.
Genome position (GRCh38, 1-based): chr6:33,701,377, G>A on the plus strand (C>T on the coding strand, the complement: UQCC2 is on the minus strand). VCF-style: chr6-33701377-G-A. GRCh37 (hg19) VCF-style: chr6-33669154-G-A.
Other names: short protein forms A61V.
Identifiers: ClinVar variation 2459368 (VCV002459368.3), dbSNP rs531733294, ClinGen allele CA3762509.

ClinVar aggregate classification (germline): Uncertain significance. Review status: criteria provided, multiple submitters, no conflicts (2 of 4 stars). 2 submissions from 2 submitters: Uncertain significance (2). Last evaluated 2025-08-11.

Allele frequency attached by ClinVar (database versions not stated): gnomAD 0.00003; gnomAD exomes 0.00004; TOPMed 0.00005; ExAC 0.00009; 1000 Genomes Project 30x 0.00016; 1000 Genomes Project 0.00020.
gnomAD v4.1: 67 of 1,613,660 alleles (0.0042%); highest among the groups gnomAD compares: South Asian, 0.019%; no homozygotes.

Submissions (2):

Labcorp Genetics (formerly Invitae), Labcorp
Classification: Uncertain significance. Last evaluated: 2025-08-11. Review status: criteria provided, single submitter. Criteria: Invitae Variant Classification Sherloc (09022015). Collection method: clinical testing. Allele origin: germline.
Comment: This sequence change replaces alanine, which is neutral and non-polar, with valine, which is neutral and non-polar, at codon 61 of the UQCC2 protein (p.Ala61Val). This variant is present in population databases (rs531733294, gnomAD 0.02%). This variant has not been reported in the literature in individuals affected with UQCC2-related conditions. ClinVar contains an entry for this variant (Variation ID: 2459368). An algorithm developed to predict the effect of missense changes on protein structure and function (PolyPhen-2) suggests that this variant is likely to be tolerated. In summary, the available evidence is currently insufficient to determine the role of this variant in disease. Therefore, it has been classified as a Variant of Uncertain Significance.

Ambry Genetics
Classification: Uncertain significance. Last evaluated: 2023-01-26. Review status: criteria provided, single submitter. Criteria: Ambry Variant Classification Scheme 2023. Collection method: clinical testing. Allele origin: germline.